The following is an entry in ClinVar:

NM_001378454.1(ALMS1):c.4453A>T (p.Ile1485Phe)

Gene: ALMS1 (ALMS1 centrosome and basal body associated protein; plus strand). Cytogenetic location: 2p13.1.
Variant type: single nucleotide variant.
Coding change: c.4453A>T on transcript NM_001378454.1 (MANE Select); coding-DNA position 4453, A replaced by T.
Protein change: p.Ile1485Phe; replaces isoleucine 1485 with phenylalanine.
Molecular consequence: missense variant.
Genome position (GRCh38, 1-based): chr2:73,450,980, A>T. VCF-style: chr2-73450980-A-T. GRCh37 (hg19) VCF-style: chr2-73678107-A-T.
Other names: c.4456A>T, p.Ile1486Phe (NM_015120.4); short protein forms I1485F, I1486F.
Identifiers: ClinVar variation 1740732 (VCV001740732.2), dbSNP rs2103782901, ClinGen allele CA347278565.

ClinVar aggregate classification (germline): Uncertain significance (1 of 4 stars; one submission).

Conditions:
Cardiovascular phenotype. Identifiers: MedGen CN230736.

Submission:

Ambry Genetics
Classification: Uncertain significance for Cardiovascular phenotype. Last evaluated: 2021-08-27. Review status: criteria provided, single submitter. Criteria: Ambry Variant Classification Scheme 2023. Collection method: clinical testing. Allele origin: germline.
Comment: The p.I1486F variant (also known as c.4456A>T), located in coding exon 8 of the ALMS1 gene, results from an A to T substitution at nucleotide position 4456. The isoleucine at codon 1486 is replaced by phenylalanine, an amino acid with highly similar properties. This amino acid position is poorly conserved in available vertebrate species. In addition, this alteration is predicted to be tolerated by in silico analysis. Since supporting evidence is limited at this time, the clinical significance of this alteration remains unclear.